The following is an entry in ClinVar:

ClinVar aggregate classification (germline): Likely pathogenic (1 of 4 stars; one submission).

Submission:

GeneDx
Classification: Likely pathogenic. Last evaluated: 2022-11-22. Review status: criteria provided, single submitter. Criteria: GeneDx Variant Classification Process June 2021. Collection method: clinical testing. Allele origin: germline. Affected: yes.
Comment: Nonsense variant predicted to result in protein truncation or nonsense mediated decay in a gene for which loss of function is a known mechanism of disease; Not observed at significant frequency in large population cohorts (gnomAD); Has not been previously published as pathogenic or benign to our knowledge; Located in the A-band region of TTN in which the majority of loss of function variants have been associated with autosomal dominant titinopathies (Herman et al., 2012); This variant is associated with the following publications: (PMID: 22335739)

NM_001267550.2(TTN):c.96628G>T (p.Glu32210Ter)

Genes: TTN (titin; minus strand), TTN-AS1 (TTN antisense RNA 1; plus strand), LOC126806421 (CDK7 strongly-dependent group 2 enhancer GRCh37_chr2:179407630-179408829; plus strand). Cytogenetic location: 2q31.2.
Variant type: single nucleotide variant.
Coding change: c.96628G>T on transcript NM_001267550.2 (MANE Select); coding-DNA position 96628, G replaced by T.
Protein change: p.Glu32210Ter; replaces glutamic acid 32210 with a stop codon.
Molecular consequence: nonsense.
Genome position (GRCh38, 1-based): chr2:178,543,345, C>A on the plus strand (G>T on the coding strand, the complement: TTN is on the minus strand). VCF-style: chr2-178543345-C-A. GRCh37 (hg19) VCF-style: chr2-179408072-C-A.
Other names: c.91705G>T, p.Glu30569Ter (NM_001256850.1); c.69433G>T, p.Glu23145Ter (NM_003319.4); c.88924G>T, p.Glu29642Ter (NM_133378.4); c.69808G>T, p.Glu23270Ter (NM_133432.3); c.70009G>T, p.Glu23337Ter (NM_133437.4); short protein forms E23145*, E23270*, E23337*, E29642*, E30569*, E32210*.
Identifiers: ClinVar variation 2502626 (VCV002502626.1), dbSNP rs2468929054, ClinGen allele CA349446386.